The following is an entry in ClinVar:

NM_015087.5(SPART):c.1826T>C (p.Ile609Thr)

Gene: SPART (spartin; minus strand). Cytogenetic location: 13q13.3.
Variant type: single nucleotide variant.
Coding change: c.1826T>C on transcript NM_015087.5 (MANE Select); coding-DNA position 1826, T replaced by C.
Protein change: p.Ile609Thr; replaces isoleucine 609 with threonine.
Molecular consequence: missense variant.
Genome position (GRCh38, 1-based): chr13:36,304,540, A>G on the plus strand (T>C on the coding strand, the complement: SPART is on the minus strand). VCF-style: chr13-36304540-A-G. GRCh37 (hg19) VCF-style: chr13-36878677-A-G.
Other names: c.1826T>C, p.Ile609Thr (NM_001142294.2, NM_001142295.2, NM_001142296.2); short protein forms I609T.
Identifiers: ClinVar variation 377057 (VCV000377057.3), dbSNP rs1057520118, ClinGen allele CA16603248.
Genomic context (GRCh38, chr13:36,304,540, plus strand): 5'-TGATAGTCCTCAAGGAGAGTGTGTCCTGTTTGTGTTGCAGTTTTCTTCACCATTGCTTTG[A>G]TACCAATGTTGTTAATATTGTAGGCAGTTACGCCAACATTGACCGCAGAATCCACCGCAT-3'
Protein context (NP_055902.1, residues 599-619): VTAYNINNIG[Ile609Thr]KAMVKKTATQ

ClinVar aggregate classification (germline): Uncertain significance (1 of 4 stars; one submission).

Allele frequency attached by ClinVar (database versions not stated): TOPMed 0.00001.

Submission:

Center for Pediatric Genomic Medicine, Children's Mercy Hospital and Clinics
Classification: Uncertain significance. Last evaluated: 2016-11-22. Review status: criteria provided, single submitter. Criteria: ACMG Guidelines, 2015. Collection method: clinical testing. Allele origin: germline.
ClinVar note: Converted during submission from Uncertain Significance to Uncertain significance.